The following is an entry in ClinVar:

NM_014263.4(YME1L1):c.168+1235C>T

Gene: YME1L1 (YME1 like 1 ATPase; minus strand). Cytogenetic location: 10p12.1.
Variant type: single nucleotide variant.
Coding change: c.168+1235C>T on transcript NM_014263.4 (MANE Select); 1235 bases into the intron after coding-DNA position 168, C replaced by T.
Molecular consequence: intron variant.
Genome position (GRCh38, 1-based): chr10:27,147,671, G>A on the plus strand (C>T on the coding strand, the complement: YME1L1 is on the minus strand). VCF-style: chr10-27147671-G-A. GRCh37 (hg19) VCF-style: chr10-27436600-G-A.
Other names: c.168+1235C>T (NM_001253866.2); c.169-3C>T (NM_139312.3).
Identifiers: ClinVar variation 4695743 (VCV004695743.1).

ClinVar aggregate classification (germline): Uncertain significance (1 of 4 stars; one submission).

gnomAD v4.1: 11 of 1,548,794 alleles (0.00071%); highest among the groups gnomAD compares: African/African-American, 0.0014%; no homozygotes.

Submission:

Labcorp Genetics (formerly Invitae), Labcorp
Classification: Uncertain significance. Last evaluated: 2025-09-15. Review status: criteria provided, single submitter. Criteria: Invitae Variant Classification Sherloc (09022015). Collection method: clinical testing. Allele origin: germline.
Comment: This sequence change falls in intron 2 of the YME1L1 gene. It does not directly change the encoded amino acid sequence of the YME1L1 protein. It affects a nucleotide within the consensus splice site. This variant is present in population databases (no rsID available, gnomAD 0.002%). This variant has not been reported in the literature in individuals affected with YME1L1-related conditions. Variants that disrupt the consensus splice site are a relatively common cause of aberrant splicing (PMID: 17576681, 9536098). Algorithms developed to predict the effect of sequence changes on RNA splicing suggest that this variant may disrupt the consensus splice site. In summary, the available evidence is currently insufficient to determine the role of this variant in disease. Therefore, it has been classified as a Variant of Uncertain Significance.

Literature cited by the submitters: PubMed 17576681; PubMed 9536098.